The following is an entry in ClinVar:

ClinVar aggregate classification (germline): Uncertain significance. Review status: criteria provided, multiple submitters, no conflicts (2 of 4 stars). 2 submissions from 2 submitters: Uncertain significance (2). Last evaluated 2022-05-10.

Conditions:
Muscular dystrophy-dystroglycanopathy type B6 (MDDGB6). Also called: MUSCULAR DYSTROPHY-DYSTROGLYCANOPATHY (CONGENITAL WITH IMPAIRED INTELLECTUAL DEVELOPMENT), TYPE B, 6; MUSCULAR DYSTROPHY, CONGENITAL, LARGE-RELATED; MUSCULAR DYSTROPHY, CONGENITAL, TYPE 1D. Identifiers: MedGen C1837229, MONDO:0012138, OMIM 608840.

Allele frequency attached by ClinVar (database versions not stated): TOPMed below 0.00001; gnomAD 0.00001; gnomAD exomes 0.00001; ExAC 0.00002.
gnomAD v4.1: 12 of 1,611,770 alleles (0.00074%); highest among the groups gnomAD compares: Non-Finnish European, 0.00085%; no homozygotes.

Submissions (2):

Labcorp Genetics (formerly Invitae), Labcorp
Classification: Uncertain significance for Muscular dystrophy-dystroglycanopathy type B6. Last evaluated: 2022-05-10. Review status: criteria provided, single submitter. Criteria: Invitae Variant Classification Sherloc (09022015). Collection method: clinical testing. Allele origin: germline.
Comment: This sequence change replaces glutamine, which is neutral and polar, with arginine, which is basic and polar, at codon 82 of the LARGE1 protein (p.Gln82Arg). This variant is present in population databases (rs774035009, gnomAD 0.004%). This variant has not been reported in the literature in individuals affected with LARGE1-related conditions. ClinVar contains an entry for this variant (Variation ID: 1211127). Algorithms developed to predict the effect of missense changes on protein structure and function are either unavailable or do not agree on the potential impact of this missense change (SIFT: "Deleterious"; PolyPhen-2: "Benign"; Align-GVGD: "Class C0"). In summary, the available evidence is currently insufficient to determine the role of this variant in disease. Therefore, it has been classified as a Variant of Uncertain Significance.

GeneDx
Classification: Uncertain significance. Last evaluated: 2019-06-14. Review status: criteria provided, single submitter. Criteria: GeneDx Variant Classification Process June 2021. Collection method: clinical testing. Allele origin: germline. Affected: yes.
Comment: Not observed at a significant frequency in large population cohorts (Lek et al., 2016); In silico analysis, which includes protein predictors and evolutionary conservation, supports a deleterious effect; Has not been previously published as pathogenic or benign to our knowledge

NM_133642.5(LARGE1):c.245A>G (p.Gln82Arg)

Gene: LARGE1 (LARGE xylosyl- and glucuronyltransferase 1; minus strand). Cytogenetic location: 22q12.3.
Variant type: single nucleotide variant.
Coding change: c.245A>G on transcript NM_133642.5 (MANE Select); coding-DNA position 245, A replaced by G.
Protein change: p.Gln82Arg; replaces glutamine 82 with arginine.
Molecular consequence: missense variant.
Genome position (GRCh38, 1-based): chr22:33,650,530, T>C on the plus strand (A>G on the coding strand, the complement: LARGE1 is on the minus strand). VCF-style: chr22-33650530-T-C. GRCh37 (hg19) VCF-style: chr22-34046516-T-C.
Other names: c.245A>G, p.Gln82Arg (NM_001362949.2, NM_001362951.2, NM_001362953.2 and 7 more transcripts); short protein forms Q82R.
Identifiers: ClinVar variation 1211127 (VCV001211127.6), dbSNP rs774035009, ClinGen allele CA10203113.